The following is an entry in ClinVar:

ClinVar aggregate classification (germline): Uncertain significance (1 of 4 stars; one submission).

Allele frequency attached by ClinVar (database versions not stated): gnomAD exomes 0.00001; TOPMed 0.00001; ExAC 0.00002; ESP Exome Variant Server 0.00008.
gnomAD v4.1: 82 of 1,593,908 alleles (0.0051%); highest among the groups gnomAD compares: Non-Finnish European, 0.0067%; no homozygotes.

Submission:

Labcorp Genetics (formerly Invitae), Labcorp
Classification: Uncertain significance. Last evaluated: 2022-08-09. Review status: criteria provided, single submitter. Criteria: Invitae Variant Classification Sherloc (09022015). Collection method: clinical testing. Allele origin: germline.
Comment: In summary, the available evidence is currently insufficient to determine the role of this variant in disease. Therefore, it has been classified as a Variant of Uncertain Significance. Algorithms developed to predict the effect of sequence changes on RNA splicing suggest that this variant may create or strengthen a splice site. Algorithms developed to predict the effect of missense changes on protein structure and function are either unavailable or do not agree on the potential impact of this missense change (SIFT: "Deleterious"; PolyPhen-2: "Probably Damaging"; Align-GVGD: "Class C0"). ClinVar contains an entry for this variant (Variation ID: 1510853). This variant has not been reported in the literature in individuals affected with EPS8L2-related conditions. The frequency data for this variant in the population databases is considered unreliable, as metrics indicate poor data quality at this position in the gnomAD database. This sequence change replaces arginine, which is basic and polar, with glutamine, which is neutral and polar, at codon 305 of the EPS8L2 protein (p.Arg305Gln).

NM_022772.4(EPS8L2):c.914G>A (p.Arg305Gln)

Gene: EPS8L2 (EPS8 signaling adaptor L2; plus strand). Cytogenetic location: 11p15.5.
Variant type: single nucleotide variant.
Coding change: c.914G>A on transcript NM_022772.4 (MANE Select); coding-DNA position 914, G replaced by A.
Protein change: p.Arg305Gln; replaces arginine 305 with glutamine.
Molecular consequence: missense variant.
Genome position (GRCh38, 1-based): chr11:721,921, G>A. VCF-style: chr11-721921-G-A. GRCh37 (hg19) VCF-style: chr11-721921-G-A.
Other names: short protein forms R305Q.
Identifiers: ClinVar variation 1510853 (VCV001510853.6), dbSNP rs139209466, ClinGen allele CA5787374.
Genomic context (GRCh38, chr11:721,921, plus strand): 5'-AGATCAGGGCCAGCCTGGCTCACGCGGTGCCTCCCATGCCAGAGGGCGTCCTCACACTGC[G>A]GGCACGGCCCCCCTCTGAGGGCGAGTTCATCGACTGCTTCCAGAAAATCAAGCTGGCGAT-3'
Protein context (NP_073609.2, residues 295-315): KAPAEGVLTL[Arg305Gln]ARPPSEGEFI